The following is an entry in ClinVar:

NM_182961.4(SYNE1):c.11506C>G (p.Gln3836Glu)

Gene: SYNE1 (spectrin repeat containing nuclear envelope protein 1; minus strand). Cytogenetic location: 6q25.2.
Variant type: single nucleotide variant.
Coding change: c.11506C>G on transcript NM_182961.4 (MANE Select); coding-DNA position 11506, C replaced by G.
Protein change: p.Gln3836Glu; replaces glutamine 3836 with glutamic acid.
Molecular consequence: missense variant.
Genome position (GRCh38, 1-based): chr6:152,352,101, G>C on the plus strand (C>G on the coding strand, the complement: SYNE1 is on the minus strand). VCF-style: chr6-152352101-G-C. GRCh37 (hg19) VCF-style: chr6-152673236-G-C.
Other names: c.11461C>G, p.Gln3821Glu (NM_033071.5); short protein forms Q3836E, Q3821E.
Identifiers: ClinVar variation 282682 (VCV000282682.14), dbSNP rs780637080, ClinGen allele CA4056677.

ClinVar aggregate classification (germline): Uncertain significance. Review status: criteria provided, multiple submitters, no conflicts (2 of 4 stars). 3 submissions from 3 submitters: Uncertain significance (3). Last evaluated 2024-10-15.

Conditions:
Autosomal recessive ataxia, Beauce type. Also called: Spinocerebellar ataxia, autosomal recessive 8; ATAXIA, RECESSIVE, OF BEAUCE; SYNE1-Related Autosomal Recessive Cerebellar Ataxia; SYNE1 Deficiency. Identifiers: Orphanet 88644, MedGen C1853116, MONDO:0012549, OMIM 610743.
Emery-Dreifuss muscular dystrophy 4, autosomal dominant (EDMD4). Also called: EMERY-DREIFUSS MUSCULAR DYSTROPHY 4 WITH VARIABLE FEATURES. Identifiers: Orphanet 261, MedGen C2751807, MONDO:0013071, OMIM 612998.

Allele frequency attached by ClinVar (database versions not stated): ExAC 0.00003; gnomAD exomes 0.00004; TOPMed 0.00005.
gnomAD v4.1: 11 of 1,614,124 alleles (0.00068%); highest among the groups gnomAD compares: Admixed American, 0.018%; no homozygotes.

Submissions (3):

Labcorp Genetics (formerly Invitae), Labcorp
Classification: Uncertain significance for Emery-Dreifuss muscular dystrophy 4, autosomal dominant; Autosomal recessive ataxia, Beauce type. Last evaluated: 2024-10-15. Review status: criteria provided, single submitter. Criteria: Invitae Variant Classification Sherloc (09022015). Collection method: clinical testing. Allele origin: germline.
Comment: This sequence change replaces glutamine, which is neutral and polar, with glutamic acid, which is acidic and polar, at codon 3821 of the SYNE1 protein (p.Gln3821Glu). This variant is present in population databases (rs780637080, gnomAD 0.03%). This variant has not been reported in the literature in individuals affected with SYNE1-related conditions. ClinVar contains an entry for this variant (Variation ID: 282682). An algorithm developed to predict the effect of missense changes on protein structure and function (PolyPhen-2) suggests that this variant is likely to be tolerated. In summary, the available evidence is currently insufficient to determine the role of this variant in disease. Therefore, it has been classified as a Variant of Uncertain Significance.

GeneDx
Classification: Uncertain significance. Last evaluated: 2019-11-25. Review status: criteria provided, single submitter. Criteria: GeneDx Variant Classification Process June 2021. Collection method: clinical testing. Allele origin: germline. Affected: yes.
Comment: Has not been previously published as pathogenic or benign to our knowledge; In silico analysis, which includes protein predictors and evolutionary conservation, supports that this variant does not alter protein structure/function

Eurofins Ntd Llc (ga)
Classification: Uncertain significance. Last evaluated: 2015-08-14. Review status: criteria provided, single submitter. Criteria: EGL Classification Definitions 2015. Collection method: clinical testing. Allele origin: germline. Observed: 1 variant allele, 1 heterozygote.